The following is an entry in ClinVar:

NM_001220.5(CAMK2B):c.1010T>C (p.Leu337Pro)

Gene: CAMK2B (calcium/calmodulin dependent protein kinase II beta; minus strand). Cytogenetic location: 7p13.
Variant type: single nucleotide variant.
Coding change: c.1010T>C on transcript NM_001220.5 (MANE Select); coding-DNA position 1010, T replaced by C.
Protein change: p.Leu337Pro; replaces leucine 337 with proline.
Molecular consequence: missense variant. On other transcripts: intron variant (5).
Genome position (GRCh38, 1-based): chr7:44,239,600, A>G on the plus strand (T>C on the coding strand, the complement: CAMK2B is on the minus strand). VCF-style: chr7-44239600-A-G. GRCh37 (hg19) VCF-style: chr7-44279199-A-G.
Other names: c.1010T>C, p.Leu337Pro (NM_001293170.2, NM_172078.3, NM_172082.3); c.946+1107T>C (NM_172084.3, NM_172080.3, NM_172083.3 and 2 more transcripts); short protein forms L337P.
Identifiers: ClinVar variation 2301649 (VCV002301649.2), dbSNP rs2485929724, ClinGen allele CA367361792.

ClinVar aggregate classification (germline): Uncertain significance (1 of 4 stars; one submission).

Conditions:
Inborn genetic diseases. Identifiers: MedGen C0950123, MeSH D030342.

Submission:

Ambry Genetics
Classification: Uncertain significance for Inborn genetic diseases. Last evaluated: 2022-08-01. Review status: criteria provided, single submitter. Criteria: Ambry Variant Classification Scheme 2023. Collection method: clinical testing. Allele origin: germline.
Comment: The c.1010T>C (p.L337P) alteration is located in exon 13 (coding exon 13) of the CAMK2B gene. This alteration results from a T to C substitution at nucleotide position 1010, causing the leucine (L) at amino acid position 337 to be replaced by a proline (P). This variant was not reported in population-based cohorts in the Genome Aggregation Database (gnomAD). This amino acid position is well conserved in available vertebrate species. This alteration is predicted to be tolerated by in silico analysis. Based on insufficient or conflicting evidence, the clinical significance of this alteration remains unclear.